The following is an entry in ClinVar:

ClinVar aggregate classification (germline): Likely benign (1 of 4 stars; one submission).

Allele frequency attached by ClinVar (database versions not stated): gnomAD exomes 0.00227; ESP Exome Variant Server 0.00062; 1000 Genomes Project 30x 0.00125; 1000 Genomes Project 0.00140.
gnomAD v4.1: 3,957 of 1,612,742 alleles (0.25%); highest among the groups gnomAD compares: Non-Finnish European, 0.067%; 75 homozygotes.

Submission:

CeGaT Center for Human Genetics Tuebingen
Classification: Likely benign. Last evaluated: 2023-03-01. Review status: criteria provided, single submitter. Criteria: CeGaT Center For Human Genetics Tuebingen Variant Classification Criteria Version 2. Collection method: clinical testing. Allele origin: germline. Affected: yes. Observed: 1 variant allele.
Comment: HRNR: BP4, BP7

NM_001009931.3(HRNR):c.2325T>G (p.Ser775=)

Genes: CCDST (cervical cancer associated DHX9 suppressive transcript; plus strand), HRNR (hornerin; minus strand). Cytogenetic location: 1q21.3.
Variant type: single nucleotide variant.
Coding change: c.2325T>G on transcript NM_001009931.3 (MANE Select); coding-DNA position 2325, T replaced by G.
Protein change: p.Ser775=; no amino-acid change (serine 775 retained).
Molecular consequence: synonymous variant.
Genome position (GRCh38, 1-based): chr1:152,219,304, A>C on the plus strand (T>G on the coding strand, the complement: HRNR is on the minus strand). VCF-style: chr1-152219304-A-C. GRCh37 (hg19) VCF-style: chr1-152191780-A-C.
Identifiers: ClinVar variation 2639210 (VCV002639210.24), dbSNP rs143475453, ClinGen allele CA1101739.